The following is an entry in ClinVar:

ClinVar aggregate classification (germline): Uncertain significance (1 of 4 stars; one submission).

Conditions:
Menkes kinky-hair syndrome (MNK). Also called: Copper transport disease; Menkes Disease; Classic Menkes Disease. Identifiers: Orphanet 565, MedGen C0022716, MONDO:0010651, OMIM 309400.
X-linked distal spinal muscular atrophy type 3. Also called: ATP7A-Related Distal Motor Neuropathy; SPINAL MUSCULAR ATROPHY, DISTAL, X-LINKED RECESSIVE; NEURONOPATHY, DISTAL HEREDITARY MOTOR, X-LINKED; NEUROPATHY, DISTAL HEREDITARY MOTOR, X-LINKED. Identifiers: Orphanet 139557, MedGen C1845359, MONDO:0010338, OMIM 300489.
Cutis laxa, X-linked (OHS). Also called: EDS IX; Occipital horn syndrome. Identifiers: Orphanet 198, MedGen C0268353, MONDO:0010572, OMIM 304150.

gnomAD v4.1: 1 of 1,211,313 alleles (0.000083%); highest among the groups gnomAD compares: Non-Finnish European, 0.00011%; no homozygotes.

Submission:

Labcorp Genetics (formerly Invitae), Labcorp
Classification: Uncertain significance for X-linked distal spinal muscular atrophy type 3; Cutis laxa, X-linked; Menkes kinky-hair syndrome. Last evaluated: 2026-01-26. Review status: criteria provided, single submitter. Criteria: Invitae Variant Classification Sherloc (09022015). Collection method: clinical testing. Allele origin: germline.
Comment: This sequence change replaces isoleucine, which is neutral and non-polar, with threonine, which is neutral and polar, at codon 756 of the ATP7A protein (p.Ile756Thr). This variant is not present in population databases (gnomAD no frequency). This variant has not been reported in the literature in individuals affected with ATP7A-related conditions. ClinVar contains an entry for this variant (Variation ID: 3748595). Invitae Evidence Modeling of protein sequence and biophysical properties (such as structural, functional, and spatial information, amino acid conservation, physicochemical variation, residue mobility, and thermodynamic stability) indicates that this missense variant is not expected to disrupt ATP7A protein function with a negative predictive value of 95%. In summary, the available evidence is currently insufficient to determine the role of this variant in disease. Therefore, it has been classified as a Variant of Uncertain Significance.

NM_000052.7(ATP7A):c.2267T>C (p.Ile756Thr)

Gene: ATP7A (ATPase copper transporting alpha; plus strand). Cytogenetic location: Xq21.1.
Variant type: single nucleotide variant.
Coding change: c.2267T>C on transcript NM_000052.7 (MANE Select); coding-DNA position 2267, T replaced by C.
Protein change: p.Ile756Thr; replaces isoleucine 756 with threonine.
Molecular consequence: missense variant. On other transcripts: intron variant (1).
Genome position (GRCh38, 1-based): chrX:78,012,973, T>C. VCF-style: chrX-78012973-T-C. GRCh37 (hg19) VCF-style: chrX-77268470-T-C.
Other names: c.2172+1299T>C (NM_001282224.2); short protein forms I756T.
Identifiers: ClinVar variation 3748595 (VCV003748595.2).
Genomic context (GRCh38, chrX:78,012,973, plus strand): 5'-ATAAAGCACTGAAGCATAAGACAGCAAATATGGACGTACTGATTGTGCTGGCAACCACCA[T>C]TGCATTTGCCTACTCTTTGATTATTCTTCTAGTTGCAATGTATGAGAGAGCCAAAGTGAA-3'
Protein context (NP_000043.4, residues 746-766): MDVLIVLATT[Ile756Thr]AFAYSLIILL